The following is an entry in ClinVar:

ClinVar aggregate classification (germline): Uncertain significance (1 of 4 stars; one submission).

Conditions:
Bardet-Biedl syndrome (BBS). Identifiers: Orphanet 110, MedGen C0752166, MONDO:0015229.
McKusick-Kaufman syndrome (MKKS). Also called: HYDROMETROCOLPOS SYNDROME; HYDROMETROCOLPOS, POSTAXIAL POLYDACTYLY, AND CONGENITAL HEART MALFORMATION. Identifiers: Orphanet 2473, MedGen C0948368, MONDO:0009367, OMIM 236700.

Submission:

Labcorp Genetics (formerly Invitae), Labcorp
Classification: Uncertain significance for McKusick-Kaufman syndrome; Bardet-Biedl syndrome. Last evaluated: 2022-10-05. Review status: criteria provided, single submitter. Criteria: Invitae Variant Classification Sherloc (09022015). Collection method: clinical testing. Allele origin: germline.
Comment: This variant, c.957_958insATGGCA, results in the insertion of 2 amino acid(s) of the MKKS protein (p.Thr319_Leu320insMetAla), but otherwise preserves the integrity of the reading frame. This variant is not present in population databases (gnomAD no frequency). This variant has not been reported in the literature in individuals affected with MKKS-related conditions. Experimental studies and prediction algorithms are not available or were not evaluated, and the functional significance of this variant is currently unknown. In summary, the available evidence is currently insufficient to determine the role of this variant in disease. Therefore, it has been classified as a Variant of Uncertain Significance.

NM_170784.3(MKKS):c.957_958insATGGCA (p.Thr319_Leu320insMetAla)

Gene: MKKS (MKKS centrosomal shuttling protein; minus strand). Cytogenetic location: 20p12.2.
Variant type: Insertion.
Coding change: c.957_958insATGGCA on transcript NM_170784.3 (MANE Select); coding-DNA positions 957 to 958, ATGGCA inserted.
Protein change: p.Thr319_Leu320insMetAla.
Molecular consequence: inframe insertion.
Genome position: GRCh38 VCF-style: chr20-10412557-G-GTGCCAT. GRCh37 (hg19) VCF-style: chr20-10393205-G-GTGCCAT.
Other names: c.957_958insATGGCA, p.Thr319_Leu320insMetAla (NM_018848.3).
Identifiers: ClinVar variation 2116277 (VCV002116277.4), dbSNP rs2514495370, ClinGen allele CA2580097843.